The following is an entry in ClinVar:

NM_021964.3(ZNF148):c.478G>A (p.Asp160Asn)

Gene: ZNF148 (zinc finger protein 148; minus strand). Cytogenetic location: 3q21.2.
Variant type: single nucleotide variant.
Coding change: c.478G>A on transcript NM_021964.3 (MANE Select); coding-DNA position 478, G replaced by A.
Protein change: p.Asp160Asn; replaces aspartic acid 160 with asparagine.
Molecular consequence: missense variant.
Genome position (GRCh38, 1-based): chr3:125,279,229, C>T on the plus strand (G>A on the coding strand, the complement: ZNF148 is on the minus strand). VCF-style: chr3-125279229-C-T. GRCh37 (hg19) VCF-style: chr3-124998073-C-T.
Other names: c.478G>A, p.Asp160Asn (NM_001348424.1, NM_001348425.2, NM_001348426.2 and 8 more transcripts); c.352G>A, p.Asp118Asn (NM_001348434.2); short protein forms D118N, D160N.
Identifiers: ClinVar variation 3375512 (VCV003375512.1).

ClinVar aggregate classification (germline): Uncertain significance (1 of 4 stars; one submission).

Submission:

GeneDx
Classification: Uncertain significance. Last evaluated: 2024-05-07. Review status: criteria provided, single submitter. Criteria: GeneDx Variant Classification Process June 2021. Collection method: clinical testing. Allele origin: germline. Affected: yes.
Comment: Not observed at significant frequency in large population cohorts (gnomAD); In silico analysis indicates that this missense variant does not alter protein structure/function; Has not been previously published as pathogenic or benign to our knowledge